The following is an entry in ClinVar:

NM_001365951.3(KIF1B):c.2115+7080A>G

Gene: KIF1B (kinesin family member 1B; plus strand). Cytogenetic location: 1p36.22.
Variant type: single nucleotide variant.
Coding change: c.2115+7080A>G on transcript NM_001365951.3 (MANE Select); 7080 bases into the intron after coding-DNA position 2115, A replaced by G.
Molecular consequence: intron variant. On other transcripts: synonymous variant (2).
Genome position (GRCh38, 1-based): chr1:10,304,326, A>G. VCF-style: chr1-10304326-A-G. GRCh37 (hg19) VCF-style: chr1-10364384-A-G.
Other names: c.3141A>G, p.Leu1047= (NM_001365953.1, NM_183416.4); c.1977+7080A>G (NM_015074.3); c.2115+7080A>G (NM_001365952.1).
Identifiers: ClinVar variation 3067735 (VCV003067735.21), dbSNP rs1471761983, ClinGen allele CA521452669.

ClinVar aggregate classification (germline): Likely benign (1 of 4 stars; one submission).

Allele frequency attached by ClinVar (database versions not stated): gnomAD 0.00001; gnomAD exomes 0.00001.
gnomAD v4.1: 14 of 1,614,064 alleles (0.00087%); highest among the groups gnomAD compares: Non-Finnish European, 0.0012%; no homozygotes.

Submission:

CeGaT Center for Human Genetics Tuebingen
Classification: Likely benign. Last evaluated: 2024-03-01. Review status: criteria provided, single submitter. Criteria: CeGaT Center For Human Genetics Tuebingen Variant Classification Criteria Version 2. Collection method: clinical testing. Allele origin: germline. Affected: yes. Observed: 1 variant allele.
Comment: KIF1B: BP4, BP7